The following is an entry in ClinVar:

NM_022168.4(IFIH1):c.2321T>A (p.Val774Asp)

Gene: IFIH1 (interferon induced with helicase C domain 1; minus strand). Cytogenetic location: 2q24.2.
Variant type: single nucleotide variant.
Coding change: c.2321T>A on transcript NM_022168.4 (MANE Select); coding-DNA position 2321, T replaced by A.
Protein change: p.Val774Asp; replaces valine 774 with aspartic acid.
Molecular consequence: missense variant.
Genome position (GRCh38, 1-based): chr2:162,273,928, A>T on the plus strand (T>A on the coding strand, the complement: IFIH1 is on the minus strand). VCF-style: chr2-162273928-A-T. GRCh37 (hg19) VCF-style: chr2-163130438-A-T.
Other names: short protein forms V774D.
Identifiers: ClinVar variation 996881 (VCV000996881.6), dbSNP rs1246892209, ClinGen allele CA348996043.

ClinVar aggregate classification (germline): Uncertain significance. Review status: criteria provided, multiple submitters, no conflicts (2 of 4 stars). 3 submissions from 3 submitters: Uncertain significance (3). Last evaluated 2024-07-19.

Conditions:
Aicardi-Goutieres syndrome 7 (AGS7). Identifiers: Orphanet 51, MedGen C3888244, MONDO:0014367, OMIM 615846.
Singleton-Merten syndrome 1 (SGMRT1). Also called: Widened medullary cavities of bone, aortic calcification, abnormal dentition, and muscular weakness; Syndrome of widened medullary cavities of the metacarpals and phalanges, aortic calcification and abnormal dentition. Identifiers: Orphanet 85191, MedGen C4225427, MONDO:0024535, OMIM 182250.
IFIH1-related disorder. Also called: IFIH1-related condition.

Allele frequency attached by ClinVar (database versions not stated): gnomAD exomes below 0.00001; gnomAD 0.00001.
gnomAD v4.1: 3 of 1,603,184 alleles (0.00019%); highest among the groups gnomAD compares: Admixed American, 0.0051%; no homozygotes.

Submissions (3):

Labcorp Genetics (formerly Invitae), Labcorp
Classification: Uncertain significance for Aicardi-Goutieres syndrome 7; Singleton-Merten syndrome 1. Last evaluated: 2024-07-19. Review status: criteria provided, single submitter. Criteria: Invitae Variant Classification Sherloc (09022015). Collection method: clinical testing. Allele origin: germline.
Comment: This sequence change replaces valine, which is neutral and non-polar, with aspartic acid, which is acidic and polar, at codon 774 of the IFIH1 protein (p.Val774Asp). This variant is present in population databases (no rsID available, gnomAD 0.003%). This variant has not been reported in the literature in individuals affected with IFIH1-related conditions. ClinVar contains an entry for this variant (Variation ID: 996881). Advanced modeling of protein sequence and biophysical properties (such as structural, functional, and spatial information, amino acid conservation, physicochemical variation, residue mobility, and thermodynamic stability) has been performed at Invitae for this missense variant, however the output from this modeling did not meet the statistical confidence thresholds required to predict the impact of this variant on IFIH1 protein function. In summary, the available evidence is currently insufficient to determine the role of this variant in disease. Therefore, it has been classified as a Variant of Uncertain Significance.

PreventionGenetics, part of Exact Sciences
Classification: Uncertain significance for IFIH1-related condition. Last evaluated: 2023-01-04. Review status: criteria provided, single submitter. Criteria: ACMG Guidelines, 2015. Collection method: clinical testing. Allele origin: germline.
Comment: The IFIH1 c.2321T>A variant is predicted to result in the amino acid substitution p.Val774Asp. To our knowledge, this variant has not been reported in the literature. This variant is reported in 0.0030% of alleles in individuals of Latino descent in gnomAD. At this time, the clinical significance of this variant is uncertain due to the absence of conclusive functional and genetic evidence.

New York Genome Center
Classification: Uncertain significance for Aicardi-Goutieres syndrome 7. Last evaluated: 2019-10-05. Review status: criteria provided, single submitter. Criteria: NYGC Assertion Criteria 2020. Collection method: clinical testing. Allele origin: maternal. Inheritance: Autosomal dominant inheritance. Observed: 1 heterozygote. Study: CSER-NYCKidSeq. Segregation with disease not observed.
Comment: The inherited c.2321T>A (p.Val774Asp) variant identified in the IFIH1 gene substitutes a completely conserved Valine for Asparagine at amino acid 774/1026 (coding exon 12/16). This variant is found with low frequency in gnomAD (1 heterozygote, 0 homozygotes; allele frequency:4.047e-6) and is absent from ExAC, suggesting it is not a common benign variant in the populations represented in these databases. In silico algorithms predict this variant to be Deleterious (Provean; score: -5.88) and Damaging (SIFT; score: 0.000) to the function of the canonical transcript. This variant is absent from ClinVar and to our current knowledge has not been reported in affected individuals in the literature. The p.Val774 residue is within the third Helicase domain of IFIH1. Many pathogenic variants in IFIH1 have been identified in the three helicase domains, including pathogenic variants 5 amino acids downstream of the variant identified in this individual, p.Arg779His and p.Arg779Cys [PMID: 24686847; PMID: 31130681]. Given the lack of compelling information regarding the pathogenicity of the c.2321T>A (p.Val774Asp) variant identified in the IFIH1 gene, it is reported here as a Variant of Uncertain Significance.